The following is an entry in ClinVar:

ClinVar aggregate classification (germline): Pathogenic (1 of 4 stars; one submission).

Conditions:
Beta-D-mannosidosis (MANSB). Also called: MANNOSIDOSIS, BETA A, LYSOSOMAL; BETA-MANNOSIDASE DEFICIENCY; LYSOSOMAL BETA-MANNOSIDASE DEFICIENCY; Beta-Mannosidosis. Identifiers: Orphanet 118, MedGen C4048196, MONDO:0009562, OMIM 248510.

gnomAD v4.1: 1 of 1,614,042 alleles (0.000062%); no homozygotes.

Submission:

Labcorp Genetics (formerly Invitae), Labcorp
Classification: Pathogenic for Beta-D-mannosidosis. Last evaluated: 2023-05-14. Review status: criteria provided, single submitter. Criteria: Invitae Variant Classification Sherloc (09022015). Collection method: clinical testing. Allele origin: germline.
Comment: For these reasons, this variant has been classified as Pathogenic. This variant has not been reported in the literature in individuals affected with MANBA-related conditions. This variant is not present in population databases (gnomAD no frequency). This sequence change creates a premature translational stop signal (p.Arg721*) in the MANBA gene. It is expected to result in an absent or disrupted protein product. Loss-of-function variants in MANBA are known to be pathogenic (PMID: 9384606, 12468273).

Literature cited by the submitters: PubMed 9384606; PubMed 12468273.

NM_005908.4(MANBA):c.2161A>T (p.Arg721Ter)

Gene: MANBA (mannosidase beta; minus strand). Cytogenetic location: 4q24.
Variant type: single nucleotide variant.
Coding change: c.2161A>T on transcript NM_005908.4 (MANE Select); coding-DNA position 2161, A replaced by T.
Protein change: p.Arg721Ter; replaces arginine 721 with a stop codon.
Molecular consequence: nonsense.
Genome position (GRCh38, 1-based): chr4:102,635,042, T>A on the plus strand (A>T on the coding strand, the complement: MANBA is on the minus strand). VCF-style: chr4-102635042-T-A. GRCh37 (hg19) VCF-style: chr4-103556199-T-A.
Other names: short protein forms R721*.
Identifiers: ClinVar variation 2864203 (VCV002864203.3), dbSNP rs2476717919, ClinGen allele CA357757081.